The following is an entry in ClinVar:

ClinVar aggregate classification (germline): Uncertain significance (1 of 4 stars; one submission).

Conditions:
Inborn genetic diseases. Identifiers: MedGen C0950123, MeSH D030342.

Allele frequency attached by ClinVar (database versions not stated): 1000 Genomes Project 30x 0.00016; 1000 Genomes Project 0.00020.
gnomAD v4.1: 160 of 1,544,746 alleles (0.01%); highest among the groups gnomAD compares: Middle Eastern, 0.16%; no homozygotes.

Submissions (2):

Ambry Genetics
Classification: Uncertain significance for Inborn genetic diseases. Last evaluated: 2022-05-11. Review status: criteria provided, single submitter. Criteria: Ambry Variant Classification Scheme 2023. Collection method: clinical testing. Allele origin: germline.
Comment: The c.2405-5G>T intronic alteration consists of a G to T substitution 5 nucleotides before coding exon 28 in the VPS41 gene. Based on insufficient or conflicting evidence, the clinical significance of this alteration remains unclear.

Dr. Peter K. Rogan Lab, Western University
No classification provided (evidence only). Condition: Thymoma. Review status: no classification provided. Collection method: in vitro. Allele origin: not applicable. Functional consequence: retained intron. Not counted in ClinVar's aggregate classification.

NM_014396.4(VPS41):c.2405-5G>T

Gene: VPS41 (VPS41 subunit of HOPS complex; minus strand). Cytogenetic location: 7p14.1.
Variant type: single nucleotide variant.
Coding change: c.2405-5G>T on transcript NM_014396.4 (MANE Select); 5 bases into the intron before coding-DNA position 2405, G replaced by T.
Molecular consequence: intron variant.
Genome position (GRCh38, 1-based): chr7:38,726,993, C>A on the plus strand (G>T on the coding strand, the complement: VPS41 is on the minus strand). VCF-style: chr7-38726993-C-A. GRCh37 (hg19) VCF-style: chr7-38766593-C-A.
Other names: NC_000007.13:g.38766593C>A; c.2330-5G>T (NM_080631.4).
Identifiers: ClinVar variation 2241997 (VCV002241997.3), dbSNP rs144271652, ClinGen allele CA4226388.
Genomic context (GRCh38, chr7:38,726,993, plus strand): 5'-CTTGTGGAACATGTGCCGGCAATGGAAGACCACCACGCTGAAGGGCTTAGCTGCATCTGG[C>A]GAGGAGGGCAGAGAAAGGAGGAGAACTTAATGCAACAAGCAAGATCATTTTAAACCAATC-3'